The following is an entry in ClinVar:

NM_152564.5(VPS13B):c.2515+16536G>T

Gene: VPS13B (vacuolar protein sorting 13 homolog B; plus strand). Cytogenetic location: 8q22.2.
Variant type: single nucleotide variant.
Coding change: c.2515+16536G>T on transcript NM_152564.5 (MANE Select); 16536 bases into the intron after coding-DNA position 2515, G replaced by T.
Molecular consequence: intron variant. On other transcripts: missense variant (1).
Genome position (GRCh38, 1-based): chr8:99,209,593, G>T. VCF-style: chr8-99209593-G-T. GRCh37 (hg19) VCF-style: chr8-100221821-G-T.
Other names: c.2517G>T, p.Glu839Asp (NM_015243.3); c.2515+16536G>T (NM_017890.5); short protein forms E839D.
Identifiers: ClinVar variation 4993962 (VCV004993962.1).

ClinVar aggregate classification (germline): Uncertain significance (1 of 4 stars; one submission).

Conditions:
VPS13B-related disorder. Also called: VPS13B-related condition.

Submission:

PreventionGenetics, part of Exact Sciences
Classification: Uncertain significance for VPS13B-related condition. Last evaluated: 2026-03-23. Review status: criteria provided, single submitter. Criteria: ACMG Guidelines, 2015. Collection method: clinical testing. Allele origin: germline.
Comment: The VPS13B c.2517G>T variant is predicted to result in the amino acid substitution p.Glu839Asp. To our knowledge, this variant has not been reported in the literature or in a large population database (gnomAD), indicating this variant is rare. At this time, the clinical significance of this variant is uncertain due to the absence of conclusive functional and genetic evidence.